The following is an entry in ClinVar:

NM_000052.7(ATP7A):c.1654G>A (p.Gly552Arg)

Gene: ATP7A (ATPase copper transporting alpha; plus strand). Cytogenetic location: Xq21.1.
Variant type: single nucleotide variant.
Coding change: c.1654G>A on transcript NM_000052.7 (MANE Select); coding-DNA position 1654, G replaced by A.
Protein change: p.Gly552Arg; replaces glycine 552 with arginine.
Molecular consequence: missense variant.
Genome position (GRCh38, 1-based): chrX:78,003,183, G>A. VCF-style: chrX-78003183-G-A. GRCh37 (hg19) VCF-style: chrX-77258680-G-A.
Other names: c.1654G>A, p.Gly552Arg (NM_001282224.2); short protein forms G552R.
Identifiers: ClinVar variation 2953266 (VCV002953266.3), dbSNP rs2522325720, ClinGen allele CA413595407.
Genomic context (GRCh38, chrX:78,003,183, plus strand): 5'-TATAATCCTGCTGTTATACAACCCCCAATGATAGCAGAGTTCATCCGAGAACTTGGATTT[G>A]GAGCCACTGTGATAGAAAATGCTGATGAAGGAGATGGTGTTTTGGAACTTGTTGTAAGTA-3'
Protein context (NP_000043.4, residues 542-562): IAEFIRELGF[Gly552Arg]ATVIENADEG

ClinVar aggregate classification (germline): Uncertain significance (1 of 4 stars; one submission).

Conditions:
Menkes kinky-hair syndrome (MNK). Also called: Classic Menkes Disease; Copper transport disease; Menkes Disease. Identifiers: Orphanet 565, MedGen C0022716, MONDO:0010651, OMIM 309400.
Cutis laxa, X-linked (OHS). Also called: EDS IX; Occipital horn syndrome. Identifiers: Orphanet 198, MedGen C0268353, MONDO:0010572, OMIM 304150.
X-linked distal spinal muscular atrophy type 3. Also called: ATP7A-Related Distal Motor Neuropathy; SPINAL MUSCULAR ATROPHY, DISTAL, X-LINKED RECESSIVE; NEURONOPATHY, DISTAL HEREDITARY MOTOR, X-LINKED; NEUROPATHY, DISTAL HEREDITARY MOTOR, X-LINKED. Identifiers: Orphanet 139557, MedGen C1845359, MONDO:0010338, OMIM 300489.

Submission:

Labcorp Genetics (formerly Invitae), Labcorp
Classification: Uncertain significance for X-linked distal spinal muscular atrophy type 3; Cutis laxa, X-linked; Menkes kinky-hair syndrome. Last evaluated: 2023-10-24. Review status: criteria provided, single submitter. Criteria: Invitae Variant Classification Sherloc (09022015). Collection method: clinical testing. Allele origin: germline.
Comment: This sequence change replaces glycine, which is neutral and non-polar, with arginine, which is basic and polar, at codon 552 of the ATP7A protein (p.Gly552Arg). This variant is not present in population databases (gnomAD no frequency). This variant has not been reported in the literature in individuals affected with ATP7A-related conditions. Advanced modeling of protein sequence and biophysical properties (such as structural, functional, and spatial information, amino acid conservation, physicochemical variation, residue mobility, and thermodynamic stability) performed at Invitae indicates that this missense variant is not expected to disrupt ATP7A protein function with a negative predictive value of 95%. In summary, the available evidence is currently insufficient to determine the role of this variant in disease. Therefore, it has been classified as a Variant of Uncertain Significance.